The following is an entry in ClinVar:

NM_003998.4(NFKB1):c.2668C>G (p.Gln890Glu)

Gene: NFKB1 (nuclear factor kappa B subunit 1; plus strand). Cytogenetic location: 4q24.
Variant type: single nucleotide variant.
Coding change: c.2668C>G on transcript NM_003998.4 (MANE Select); coding-DNA position 2668, C replaced by G.
Protein change: p.Gln890Glu; replaces glutamine 890 with glutamic acid.
Molecular consequence: missense variant.
Genome position (GRCh38, 1-based): chr4:102,613,500, C>G. VCF-style: chr4-102613500-C-G. GRCh37 (hg19) VCF-style: chr4-103534657-C-G.
Other names: c.2665C>G, p.Gln889Glu (NM_001165412.2, NM_001319226.2, NM_001382627.1); c.2668C>G, p.Gln890Glu (NM_001382625.1, NM_001382626.1); c.2626C>G, p.Gln876Glu (NM_001382628.1); c.2668C>G (NM_003998.3); short protein forms Q889E, Q890E, Q876E.
Identifiers: ClinVar variation 1516190 (VCV001516190.7), dbSNP rs1448559639, ClinGen allele CA357755110.
Genomic context (GRCh38, chr4:102,613,500, plus strand): 5'-GTCAGAGAGCTGGTGGAGGCCCTGAGACAAATGGGCTACACCGAAGCAATTGAAGTGATC[C>G]AGGCAGCCTCCAGCCCAGTGAAGACCACCTCTCAGGCCCACTCGCTGCCTCTCTCGCCTG-3'
Protein context (NP_003989.2, residues 880-900): MGYTEAIEVI[Gln890Glu]AASSPVKTTS

ClinVar aggregate classification (germline): Uncertain significance. Review status: criteria provided, multiple submitters, no conflicts (2 of 4 stars). 2 submissions from 2 submitters: Uncertain significance (2). Last evaluated 2025-07-01.

Conditions:
Inborn genetic diseases. Identifiers: MedGen C0950123, MeSH D030342.

Allele frequency attached by ClinVar (database versions not stated): gnomAD exomes below 0.00001; gnomAD 0.00001; TOPMed 0.00002.
gnomAD v4.1: 5 of 1,613,880 alleles (0.00031%); highest among the groups gnomAD compares: African/African-American, 0.0067%; no homozygotes.

Submissions (2):

Ambry Genetics
Classification: Uncertain significance for Inborn genetic diseases. Last evaluated: 2025-07-01. Review status: criteria provided, single submitter. Criteria: Ambry Variant Classification Scheme 2023. Collection method: clinical testing. Allele origin: germline.

Labcorp Genetics (formerly Invitae), Labcorp
Classification: Uncertain significance. Last evaluated: 2023-01-24. Review status: criteria provided, single submitter. Criteria: Invitae Variant Classification Sherloc (09022015). Collection method: clinical testing. Allele origin: germline.
Comment: This sequence change replaces glutamine, which is neutral and polar, with glutamic acid, which is acidic and polar, at codon 890 of the NFKB1 protein (p.Gln890Glu). This variant is not present in population databases (gnomAD no frequency). This variant has not been reported in the literature in individuals affected with NFKB1-related conditions. ClinVar contains an entry for this variant (Variation ID: 1516190). Advanced modeling of protein sequence and biophysical properties (such as structural, functional, and spatial information, amino acid conservation, physicochemical variation, residue mobility, and thermodynamic stability) performed at Invitae indicates that this missense variant is not expected to disrupt NFKB1 protein function. In summary, the available evidence is currently insufficient to determine the role of this variant in disease. Therefore, it has been classified as a Variant of Uncertain Significance.